The following is an entry in ClinVar:

ClinVar aggregate classification (germline): Uncertain significance (1 of 4 stars; one submission).

Submission:

GeneDx
Classification: Uncertain significance. Last evaluated: 2025-01-15. Review status: criteria provided, single submitter. Criteria: GeneDx Variant Classification Process June 2021. Collection method: clinical testing. Allele origin: germline. Affected: yes.
Comment: Not observed at significant frequency in large population cohorts (gnomAD); In silico analysis supports that this missense variant has a deleterious effect on protein structure/function; Has not been previously published as pathogenic or benign to our knowledge

NM_024408.4(NOTCH2):c.3785A>G (p.Glu1262Gly)

Gene: NOTCH2 (notch receptor 2; minus strand). Cytogenetic location: 1p12.
Variant type: single nucleotide variant.
Coding change: c.3785A>G on transcript NM_024408.4 (MANE Select); coding-DNA position 3785, A replaced by G.
Protein change: p.Glu1262Gly; replaces glutamic acid 1262 with glycine.
Molecular consequence: missense variant.
Genome position (GRCh38, 1-based): chr1:119,929,083, T>C on the plus strand (A>G on the coding strand, the complement: NOTCH2 is on the minus strand). VCF-style: chr1-119929083-T-C. GRCh37 (hg19) VCF-style: chr1-120471706-T-C.
Other names: short protein forms E1262G.
Identifiers: ClinVar variation 4070667 (VCV004070667.1).